The following is an entry in ClinVar:

NM_000186.4(CFH):c.351-142AAACAAG[2]

Gene: CFH (complement factor H; plus strand). Cytogenetic location: 1q31.3.
Variant type: Microsatellite.
Coding change: c.351-142AAACAAG[2] on transcript NM_000186.4 (MANE Select); two copies in a row of the 7-base unit AAACAAG starting at c.351-142.
Molecular consequence: intron variant.
Genome position: GRCh38 VCF-style: chr1-196675846-CAAACAAG-C. GRCh37 (hg19) VCF-style: chr1-196644976-CAAACAAG-C.
Other names: c.351-142AAACAAG[2] (NM_001014975.3); c.351-125_351-119del (NM_000186.4).
Identifiers: ClinVar variation 4291673 (VCV004291673.2).

ClinVar aggregate classification (germline): Likely benign (1 of 4 stars; one submission).

Conditions:
Atypical hemolytic-uremic syndrome. Identifiers: Orphanet 2134, MedGen C2931788, MONDO:0016244.
Age related macular degeneration 4. Identifiers: MedGen C1853147, MONDO:0012540, OMIM 610698.
Basal laminar drusen. Also called: DRUSEN OF BRUCH MEMBRANE; DRUSEN, CUTICULAR; DRUSEN, EARLY ADULT-ONSET, GROUPED. Identifiers: Orphanet 75376, MedGen C0730295, MONDO:0007472, OMIM 126700.
Factor H deficiency (CFHD). Also called: COMPLEMENT FACTOR H DEFICIENCY; CFH DEFICIENCY. Identifiers: Orphanet 200421, MedGen C0398777, MONDO:0012350, OMIM 609814.

Submission:

Genomenon, Inc
Classification: Likely benign for Age related macular degeneration 4; Atypical hemolytic-uremic syndrome; Factor H deficiency; Basal laminar drusen. Last evaluated: 2026-09-17. Review status: criteria provided, single submitter. Criteria: Genomenon Sequence Variant Interpretation Standards - Updated. Collection method: curation. Allele origin: germline. Affected: no.
Comment: CFH c.351-125_351-119del is a deletion variant located in intron 3. This variant has been reported in the published literature (PMID: 18421087). This variant is not predicted to impact splicing. In conclusion, we classify CFH c.351-125_351-119del as a likely benign variant.

Literature cited by the submitters: PubMed 18421087.